The following is an entry in ClinVar:

NM_001379029.1(CERT1):c.144A>C (p.Lys48Asn)

Gene: CERT1 (ceramide transporter 1; minus strand). Cytogenetic location: 5q13.3.
Variant type: single nucleotide variant.
Coding change: c.144A>C on transcript NM_001379029.1 (MANE Select); coding-DNA position 144, A replaced by C.
Protein change: p.Lys48Asn; replaces lysine 48 with asparagine.
Molecular consequence: missense variant.
Genome position (GRCh38, 1-based): chr5:75,506,069, T>G on the plus strand (A>C on the coding strand, the complement: CERT1 is on the minus strand). VCF-style: chr5-75506069-T-G. GRCh37 (hg19) VCF-style: chr5-74801894-T-G.
Other names: c.528A>C, p.Lys176Asn (NM_001130105.1); c.144A>C, p.Lys48Asn (NM_001379002.1, NM_001379003.1, NM_001379004.1 and 2 more transcripts); short protein forms K176N, K48N.
Identifiers: ClinVar variation 1304295 (VCV001304295.6), dbSNP rs2112475041, ClinGen allele CA360138910.
Genomic context (GRCh38, chr5:75,506,069, plus strand): 5'-GGATCCTCTGCAGCCATACTCTGTTTCATCTTCAGATTTGTAGTAACTCAGAGCATTATT[T>G]TTCAAAACTACCCAACGATCCTGCCACCCATGAATGTAGTTTGTCCACTGGGAGTGGGAA-3'
Protein context (NP_001365958.1, residues 38-58): HGWQDRWVVL[Lys48Asn]NNALSYYKSE

ClinVar aggregate classification (germline): Uncertain significance. Review status: criteria provided, multiple submitters, no conflicts (2 of 4 stars). 2 submissions from 2 submitters: Uncertain significance (2). Last evaluated 2022-07-27.

Submissions (2):

Labcorp Genetics (formerly Invitae), Labcorp
Classification: Uncertain significance. Last evaluated: 2022-07-27. Review status: criteria provided, single submitter. Criteria: Invitae Variant Classification Sherloc (09022015). Collection method: clinical testing. Allele origin: germline.
Comment: This sequence change replaces lysine, which is basic and polar, with asparagine, which is neutral and polar, at codon 176 of the COL4A3BP protein (p.Lys176Asn). This variant is not present in population databases (gnomAD no frequency). This variant has not been reported in the literature in individuals affected with COL4A3BP-related conditions. ClinVar contains an entry for this variant (Variation ID: 1304295). Algorithms developed to predict the effect of missense changes on protein structure and function are either unavailable or do not agree on the potential impact of this missense change (SIFT: "Deleterious"; PolyPhen-2: "Probably Damaging"; Align-GVGD: "Class C0"). In summary, the available evidence is currently insufficient to determine the role of this variant in disease. Therefore, it has been classified as a Variant of Uncertain Significance.

GeneDx
Classification: Uncertain significance. Last evaluated: 2019-07-08. Review status: criteria provided, single submitter. Criteria: GeneDx Variant Classification Process June 2021. Collection method: clinical testing. Allele origin: germline. Affected: yes.
Comment: Not observed in large population cohorts (Lek et al., 2016); In silico analysis, which includes protein predictors and evolutionary conservation, supports a deleterious effect; Has not been previously published as pathogenic or benign to our knowledge